The following is an entry in ClinVar:

NM_004329.3(BMPR1A):c.969_970insAGATCGGAAGAGCGTCGTGTAGGGAAAGAGTTCAGACGTGTGCTCTTCCGATCT (p.Cys323_Ala324insArgSerGluGluArgArgValGlyLysGluPheArgArgValLeuPheArgSer)

Gene: BMPR1A (bone morphogenetic protein receptor type 1A; plus strand). Cytogenetic location: 10q23.2.
Variant type: Insertion.
Coding change: c.969_970insAGATCGGAAGAGCGTCGTGTAGGGAAAGAGTTCAGACGTGTGCTCTTCCGATCT on transcript NM_004329.3 (MANE Select); coding-DNA positions 969 to 970, AGATCGGAAGAGCGTCGTGTAGGGAAAGAGTTCAGACGTGTGCTCTTCCGATCT inserted.
Protein change: p.Cys323_Ala324insArgSerGluGluArgArgValGlyLysGluPheArgArgValLeuPheArgSer.
Molecular consequence: inframe insertion. On other transcripts: non-coding transcript variant (3).
Genome position: GRCh38: chr10:86,919,272-86,919,273. GRCh37 (hg19): chr10:88,679,029-88,679,030.
Other names: c.1044_1045insAGATCGGAAGAGCGTCGTGTAGGGAAAGAGTTCAGACGTGTGCTCTTCCGATCT, p.Cys348_Ala349insArgSerGluGluArgArgValGlyLysGluPheArgArgValLeuPheArgSer (NM_001406559.1); c.1017_1018insAGATCGGAAGAGCGTCGTGTAGGGAAAGAGTTCAGACGTGTGCTCTTCCGATCT, p.Cys339_Ala340insArgSerGluGluArgArgValGlyLysGluPheArgArgValLeuPheArgSer (NM_001406560.1); c.969_970insAGATCGGAAGAGCGTCGTGTAGGGAAAGAGTTCAGACGTGTGCTCTTCCGATCT, p.Cys323_Ala324insArgSerGluGluArgArgValGlyLysGluPheArgArgValLeuPheArgSer (NM_001406561.1, NM_001406562.1, NM_001406563.1 and 19 more transcripts); c.963_964insAGATCGGAAGAGCGTCGTGTAGGGAAAGAGTTCAGACGTGTGCTCTTCCGATCT, p.Cys321_Ala322insArgSerGluGluArgArgValGlyLysGluPheArgArgValLeuPheArgSer (NM_001406583.1); c.885_886insAGATCGGAAGAGCGTCGTGTAGGGAAAGAGTTCAGACGTGTGCTCTTCCGATCT, p.Cys295_Ala296insArgSerGluGluArgArgValGlyLysGluPheArgArgValLeuPheArgSer (NM_001406584.1, NM_001406585.1, NM_001406586.1 and 2 more transcripts); c.627_628insAGATCGGAAGAGCGTCGTGTAGGGAAAGAGTTCAGACGTGTGCTCTTCCGATCT, p.Cys209_Ala210insArgSerGluGluArgArgValGlyLysGluPheArgArgValLeuPheArgSer (NM_001406589.1).
Identifiers: ClinVar variation 2691443 (VCV002691443.1), dbSNP rs2133590855, ClinGen allele CA2697558527.

ClinVar aggregate classification (germline): Uncertain significance (1 of 4 stars; one submission).

Submission:

Women's Health and Genetics/Laboratory Corporation of America, LabCorp
Classification: Uncertain significance. Last evaluated: 2023-12-28. Review status: criteria provided, single submitter. Criteria: LabCorp Variant Classification Summary - May 2015. Collection method: clinical testing. Allele origin: germline.
Comment: Variant summary: BMPR1A c.969_970insAGATCGGAAGAGCGTCGTGTAGGGAAAGAGTTCAGACGTGTGCTCTTCCGATCT (p.Cys323_Ala324insArgSerGluGluArgArgValGlyLysGluPheArgArgValLeuPheArgSer) results in an in-frame insertion that is predicted to insert 18 amino acids into the encoded protein. The variant was absent in 251172 control chromosomes (gnomAD v2.1). The available data on variant occurrences in the general population are insufficient to allow any conclusion about variant significance. To our knowledge, no occurrence of c.969_970ins54 in individuals affected with Juvenile Polyposis Syndrome and no experimental evidence demonstrating its impact on protein function have been reported. No submitters have cited clinical-significance assessments for this variant to ClinVar after 2014. Based on the evidence outlined above, the variant was classified as uncertain significance.